The following is an entry in ClinVar:

ClinVar aggregate classification (germline): Uncertain significance (1 of 4 stars; one submission).

Allele frequency attached by ClinVar (database versions not stated): gnomAD exomes 0.00001; ExAC 0.00002; TOPMed 0.00004; gnomAD 0.00005 and 0.00006.
gnomAD v4.1: 18 of 1,611,310 alleles (0.0011%); highest among the groups gnomAD compares: African/African-American, 0.023%; no homozygotes.

Submission:

Labcorp Genetics (formerly Invitae), Labcorp
Classification: Uncertain significance. Last evaluated: 2025-06-24. Review status: criteria provided, single submitter. Criteria: Invitae Variant Classification Sherloc (09022015). Collection method: clinical testing. Allele origin: germline.
Comment: This sequence change replaces serine, which is neutral and polar, with leucine, which is neutral and non-polar, at codon 128 of the IFT88 protein (p.Ser128Leu). This variant is present in population databases (rs776831267, gnomAD 0.01%). This variant has not been reported in the literature in individuals affected with IFT88-related conditions. ClinVar contains an entry for this variant (Variation ID: 1428242). An algorithm developed to predict the effect of missense changes on protein structure and function (PolyPhen-2) suggests that this variant is likely to be tolerated. Algorithms developed to predict the effect of sequence changes on RNA splicing suggest that this variant may disrupt the consensus splice site. In summary, the available evidence is currently insufficient to determine the role of this variant in disease. Therefore, it has been classified as a Variant of Uncertain Significance.

NM_006531.5(IFT88):c.356C>T (p.Ser119Leu)

Gene: IFT88 (intraflagellar transport 88; plus strand). Cytogenetic location: 13q12.11.
Variant type: single nucleotide variant.
Coding change: c.356C>T on transcript NM_006531.5 (MANE Select); coding-DNA position 356, C replaced by T.
Protein change: p.Ser119Leu; replaces serine 119 with leucine.
Molecular consequence: missense variant. On other transcripts: non-coding transcript variant (5), intron variant (1).
Genome position (GRCh38, 1-based): chr13:20,592,362, C>T. VCF-style: chr13-20592362-C-T. GRCh37 (hg19) VCF-style: chr13-21166501-C-T.
Other names: c.299C>T, p.Ser100Leu (NM_001318491.2, NM_001353573.2, NM_001353574.2 and 1 more transcripts); c.383C>T, p.Ser128Leu (NM_001318493.2, NM_001353565.2, NM_001353566.2 and 6 more transcripts); c.356C>T, p.Ser119Leu (NM_001353568.2, NM_001353571.2, NM_001353572.2 and 1 more transcripts); c.-236+681C>T (NM_001353579.2); short protein forms S100L, S119L, S128L.
Identifiers: ClinVar variation 1428242 (VCV001428242.7), dbSNP rs776831267, ClinGen allele CA6905055.